The following is an entry in ClinVar:

NM_012179.4(FBXO7):c.497C>G (p.Ser166Ter)

Gene: FBXO7 (F-box protein 7; plus strand). Cytogenetic location: 22q12.3.
Variant type: single nucleotide variant.
Coding change: c.497C>G on transcript NM_012179.4 (MANE Select); coding-DNA position 497, C replaced by G.
Protein change: p.Ser166Ter; replaces serine 166 with a stop codon.
Molecular consequence: nonsense.
Genome position (GRCh38, 1-based): chr22:32,483,976, C>G. VCF-style: chr22-32483976-C-G. GRCh37 (hg19) VCF-style: chr22-32879963-C-G.
Other names: c.260C>G, p.Ser87Ter (NM_001033024.2); c.155C>G, p.Ser52Ter (NM_001257990.2); short protein forms S52*, S87*, S166*.
Identifiers: ClinVar variation 2751184 (VCV002751184.3), dbSNP rs779737534, ClinGen allele CA10201445.

ClinVar aggregate classification (germline): Pathogenic (1 of 4 stars; one submission).

Conditions:
Parkinsonian-pyramidal syndrome. Also called: PARKINSON DISEASE 15, AUTOSOMAL RECESSIVE; PARKINSON DISEASE 15, AUTOSOMAL RECESSIVE EARLY-ONSET; PALLIDOPYRAMIDAL SYNDROME. Identifiers: Orphanet 171695, MedGen C1850100, MONDO:0009830, OMIM 260300.

Allele frequency attached by ClinVar (database versions not stated): ExAC 0.00001.
gnomAD v4.1: 1 of 1,614,208 alleles (0.000062%); highest among the groups gnomAD compares: South Asian, 0.0011%; no homozygotes.

Submission:

Labcorp Genetics (formerly Invitae), Labcorp
Classification: Pathogenic for Parkinsonian-pyramidal syndrome. Last evaluated: 2023-08-08. Review status: criteria provided, single submitter. Criteria: Invitae Variant Classification Sherloc (09022015). Collection method: clinical testing. Allele origin: germline.
Comment: For these reasons, this variant has been classified as Pathogenic. This variant has not been reported in the literature in individuals affected with FBXO7-related conditions. This variant is present in population databases (rs779737534, gnomAD 0.003%). This sequence change creates a premature translational stop signal (p.Ser166*) in the FBXO7 gene. It is expected to result in an absent or disrupted protein product. Loss-of-function variants in FBXO7 are known to be pathogenic (PMID: 21347293).

Literature cited by the submitters: PubMed 21347293.